The following is an entry in ClinVar:

NM_001943.5(DSG2):c.1235A>C (p.Asn412Thr)

Gene: DSG2 (desmoglein 2; plus strand). Cytogenetic location: 18q12.1.
Variant type: single nucleotide variant.
Coding change: c.1235A>C on transcript NM_001943.5 (MANE Select); coding-DNA position 1235, A replaced by C.
Protein change: p.Asn412Thr; replaces asparagine 412 with threonine.
Molecular consequence: missense variant.
Genome position (GRCh38, 1-based): chr18:31,531,207, A>C. VCF-style: chr18-31531207-A-C. GRCh37 (hg19) VCF-style: chr18-29111170-A-C.
Other names: short protein forms N412T.
Identifiers: ClinVar variation 3670635 (VCV003670635.2).

ClinVar aggregate classification (germline): Uncertain significance (1 of 4 stars; one submission).

Conditions:
Arrhythmogenic right ventricular dysplasia 10. Also called: Arrhythmogenic Right Ventricular Dysplasia/Cardiomyopathy10; ARRHYTHMOGENIC RIGHT VENTRICULAR DYSPLASIA, FAMILIAL, 10; Arrhythmogenic right ventricular dysplasia/cardiomyopathy, type 10. Identifiers: MedGen C1857777, MONDO:0012434, OMIM 610193.

Submission:

Labcorp Genetics (formerly Invitae), Labcorp
Classification: Uncertain significance for Arrhythmogenic right ventricular dysplasia 10. Last evaluated: 2024-11-24. Review status: criteria provided, single submitter. Criteria: Invitae Variant Classification Sherloc (09022015). Collection method: clinical testing. Allele origin: germline.
Comment: This sequence change replaces asparagine, which is neutral and polar, with threonine, which is neutral and polar, at codon 412 of the DSG2 protein (p.Asn412Thr). This variant is not present in population databases (gnomAD no frequency). This variant has not been reported in the literature in individuals affected with DSG2-related conditions. Invitae Evidence Modeling of protein sequence and biophysical properties (such as structural, functional, and spatial information, amino acid conservation, physicochemical variation, residue mobility, and thermodynamic stability) indicates that this missense variant is not expected to disrupt DSG2 protein function with a negative predictive value of 95%. In summary, the available evidence is currently insufficient to determine the role of this variant in disease. Therefore, it has been classified as a Variant of Uncertain Significance.